The following is an entry in ClinVar:

NM_014639.4(SKIC3):c.2929C>T (p.Gln977Ter)

Gene: SKIC3 (SKI3 subunit of superkiller complex; minus strand). Cytogenetic location: 5q15.
Variant type: single nucleotide variant.
Coding change: c.2929C>T on transcript NM_014639.4 (MANE Select); coding-DNA position 2929, C replaced by T.
Protein change: p.Gln977Ter; replaces glutamine 977 with a stop codon.
Molecular consequence: nonsense.
Genome position (GRCh38, 1-based): chr5:95,509,679, G>A on the plus strand (C>T on the coding strand, the complement: SKIC3 is on the minus strand). VCF-style: chr5-95509679-G-A. GRCh37 (hg19) VCF-style: chr5-94845383-G-A.
Other names: short protein forms Q977*.
Identifiers: ClinVar variation 5006936 (VCV005006936.2).

ClinVar aggregate classification (germline): Likely pathogenic (1 of 4 stars; one submission).

Conditions:
Trichohepatoenteric syndrome 1 (THES1). Also called: DIARRHEA, FATAL INFANTILE, WITH TRICHORRHEXIS NODOSA. Identifiers: Orphanet 84064, MedGen C4551982, MONDO:0024541, OMIM 222470.

Submission:

Juno Genomics, Hangzhou Juno Genomics, Inc
Classification: Likely pathogenic for Trichohepatoenteric syndrome 1. Review status: criteria provided, single submitter. Criteria: ACMG Guidelines, 2015. Collection method: clinical testing. Allele origin: germline.
Comment: Null variant in a gene where loss of function (LOF) is a known mechanism of disease.;Absent from controls (or at extremely low frequency if recessive) in Genome Aggregation Database.